The following is an entry in ClinVar:

NM_006208.3(ENPP1):c.2624C>T (p.Ser875Phe)

Gene: ENPP1 (ectonucleotide pyrophosphatase/phosphodiesterase 1; plus strand). Cytogenetic location: 6q23.2.
Variant type: single nucleotide variant.
Coding change: c.2624C>T on transcript NM_006208.3 (MANE Select); coding-DNA position 2624, C replaced by T.
Protein change: p.Ser875Phe; replaces serine 875 with phenylalanine.
Molecular consequence: missense variant.
Genome position (GRCh38, 1-based): chr6:131,890,357, C>T. VCF-style: chr6-131890357-C-T. GRCh37 (hg19) VCF-style: chr6-132211497-C-T.
Other names: short protein forms S875F.
Identifiers: ClinVar variation 596161 (VCV000596161.37), dbSNP rs140729669, ClinGen allele CA4002596.

ClinVar aggregate classification (germline): Conflicting classifications of pathogenicity. Review status: criteria provided, conflicting classifications (1 of 4 stars). 8 submissions from 7 submitters: Uncertain significance (5); Likely benign (3). Last evaluated 2026-04-01.

Conditions:
Arterial calcification, generalized, of infancy, 1 (GACI1). Also called: Idiopathic Infantile Arterial Calcification. Identifiers: Orphanet 51608, MedGen C4551985, MONDO:0008817, OMIM 208000.
Hypophosphatemic rickets, autosomal recessive, 2 (ARHR2). Identifiers: Orphanet 289176, MedGen C2750078, MONDO:0013219, OMIM 613312.

Allele frequency attached by ClinVar (database versions not stated): gnomAD 0.00084 and 0.00086; gnomAD exomes 0.00091 and 0.00083; 1000 Genomes Project 0.00020; 1000 Genomes Project 30x 0.00031; TOPMed 0.00081; ExAC 0.00084; ESP Exome Variant Server 0.00092.
gnomAD v4.1: 1,445 of 1,613,640 alleles (0.09%); highest among the groups gnomAD compares: Non-Finnish European, 0.11%; 2 homozygotes.

Submissions (8):

CeGaT Center for Human Genetics Tuebingen
Classification: Likely benign. Last evaluated: 2026-04-01. Review status: criteria provided, single submitter. Criteria: CeGaT Center For Human Genetics Tuebingen Variant Classification Criteria Version 2. Collection method: clinical testing. Allele origin: germline. Affected: yes. Observed: 3 variant alleles.
Comment: ENPP1: BP4

Women's Health and Genetics/Laboratory Corporation of America, LabCorp
Classification: Uncertain significance. Last evaluated: 2026-03-16. Review status: criteria provided, single submitter. Criteria: LabCorp Variant Classification Summary - May 2015. Collection method: clinical testing. Allele origin: germline.
Comment: Variant summary: ENPP1 c.2624C>T (p.Ser875Phe) results in a non-conservative amino acid change in the encoded protein sequence. Algorithms developed to predict the effect of missense changes on protein structure and function are either unavailable or do not agree on the potential impact of this missense change. The variant allele was found at a frequency of 0.00083 in 251356 control chromosomes. This frequency is not significantly higher than estimated for disease-causing variants in ENPP1, allowing no conclusion about variant significance. c.2624C>T has been observed in an individual affected with ENPP1-Related Disorders (hypophosphatemia) without strong evidence for causality (Rush_2022). These report(s) do not provide unequivocal conclusions about association of the variant with ENPP1-Related Disorders. To our knowledge, no experimental evidence demonstrating an impact on protein function has been reported. The following publication have been ascertained in the context of this evaluation (PMID: 34633109). ClinVar contains an entry for this variant (Variation ID: 596161). Based on the evidence outlined above, the variant was classified as uncertain significance.

Labcorp Genetics (formerly Invitae), Labcorp
Classification: Likely benign. Last evaluated: 2026-01-05. Review status: criteria provided, single submitter. Criteria: Invitae Variant Classification Sherloc (09022015). Collection method: clinical testing. Allele origin: germline.

Blueprint Genetics
Classification: Likely benign. Last evaluated: 2024-10-29. Review status: criteria provided, single submitter. Criteria: ACMG Guidelines, 2015. Collection method: clinical testing. Allele origin: germline.

GeneDx
Classification: Uncertain significance. Last evaluated: 2022-01-13. Review status: criteria provided, single submitter. Criteria: GeneDx Variant Classification Process June 2021. Collection method: clinical testing. Allele origin: germline. Affected: yes.
Comment: In silico analysis supports that this missense variant has a deleterious effect on protein structure/function; Has not been previously published as pathogenic or benign to our knowledge

Eurofins Ntd Llc (ga)
Classification: Uncertain significance. Last evaluated: 2018-03-02. Review status: criteria provided, single submitter. Criteria: EGL ClinVar v180209 classification definitions. Collection method: clinical testing. Allele origin: germline. Observed: 1 variant allele, 1 heterozygote.

Illumina Laboratory Services, Illumina
Classification: Uncertain significance for Arterial calcification, generalized, of infancy, 1. Last evaluated: 2018-01-12. Review status: criteria provided, single submitter. Criteria: ICSL Variant Classification Criteria 13 December 2019. Collection method: clinical testing. Allele origin: germline.

Illumina Laboratory Services, Illumina
Classification: Uncertain significance for Hypophosphatemic rickets, autosomal recessive, 2. Last evaluated: 2018-01-12. Review status: criteria provided, single submitter. Criteria: ICSL Variant Classification Criteria 13 December 2019. Collection method: clinical testing. Allele origin: germline.

Literature cited by the submitters: PubMed 34633109 (cited by Women's Health and Genetics/Laboratory Corporation of America, LabCorp).